The following is an entry in ClinVar:

ClinVar aggregate classification (germline): Benign (1 of 4 stars; one submission).

Allele frequency attached by ClinVar (database versions not stated): 1000 Genomes Project 0.08207; 1000 Genomes Project 30x 0.08339; gnomAD 0.08807 and 0.08718; TOPMed 0.09406.
gnomAD v4.1: 13,207 of 151,660 alleles (8.7%); highest among the groups gnomAD compares: Middle Eastern, 14%; 677 homozygotes.

Submission:

GeneDx
Classification: Benign. Last evaluated: 2020-10-28. Review status: criteria provided, single submitter. Criteria: GeneDx Variant Classification Process June 2021. Collection method: clinical testing. Allele origin: germline. Affected: yes.
Comment: This variant is associated with the following publications: (PMID: 29991817)

NC_000005.10:g.96875556A>G

Genes: ERAP1 (endoplasmic reticulum aminopeptidase 1; minus strand), ERAP2 (endoplasmic reticulum aminopeptidase 2; plus strand). Cytogenetic location: 5q15.
Variant type: single nucleotide variant.
Genome position: GRCh38 VCF-style: chr5-96875556-A-G. GRCh37 (hg19) VCF-style: chr5-96211259-A-G.
Identifiers: ClinVar variation 1277927 (VCV001277927.2), dbSNP rs75862629, ClinGen allele CA122983399.